The following is an entry in ClinVar:

NM_032383.5(HPS3):c.1472T>C (p.Val491Ala)

Gene: HPS3 (HPS3 biogenesis of lysosomal organelles complex 2 subunit 1; plus strand). Cytogenetic location: 3q24.
Variant type: single nucleotide variant.
Coding change: c.1472T>C on transcript NM_032383.5 (MANE Select); coding-DNA position 1472, T replaced by C.
Protein change: p.Val491Ala; replaces valine 491 with alanine.
Molecular consequence: missense variant.
Genome position (GRCh38, 1-based): chr3:149,155,178, T>C. VCF-style: chr3-149155178-T-C. GRCh37 (hg19) VCF-style: chr3-148872965-T-C.
Other names: c.977T>C, p.Val326Ala (NM_001308258.2); short protein forms V491A, V326A.
Identifiers: ClinVar variation 1507286 (VCV001507286.8), dbSNP rs2108155248, ClinGen allele CA354919972.
Genomic context (GRCh38, chr3:149,155,178, plus strand): 5'-ATACCAGTGTTAAAATCAAAATACCTCCTGTAGCTGAGGCTGGGTGGAATTTGTATATTG[T>C]GAATACGATCTCACCAGTGCAGCTGTACAAAGAGATGGTACTCTTTTCAAACTTCTGATT-3'
Protein context (NP_115759.2, residues 481-501): VAEAGWNLYI[Val491Ala]NTISPVQLYK

ClinVar aggregate classification (germline): Uncertain significance (1 of 4 stars; one submission).

Submission:

Labcorp Genetics (formerly Invitae), Labcorp
Classification: Uncertain significance. Last evaluated: 2020-12-10. Review status: criteria provided, single submitter. Criteria: Invitae Variant Classification Sherloc (09022015). Collection method: clinical testing. Allele origin: germline.
Comment: In summary, the available evidence is currently insufficient to determine the role of this variant in disease. Therefore, it has been classified as a Variant of Uncertain Significance. Algorithms developed to predict the effect of missense changes on protein structure and function are either unavailable or do not agree on the potential impact of this missense change (SIFT: "Deleterious"; PolyPhen-2: "Probably Damaging"; Align-GVGD: "Class C0"). This variant has not been reported in the literature in individuals with HPS3-related conditions. This variant is not present in population databases (ExAC no frequency). This sequence change replaces valine with alanine at codon 491 of the HPS3 protein (p.Val491Ala). The valine residue is weakly conserved and there is a small physicochemical difference between valine and alanine.